The following is an entry in ClinVar:

NM_031407.7(HUWE1):c.4394T>G (p.Ile1465Ser)

Gene: HUWE1 (HECT, UBA and WWE domain containing E3 ubiquitin protein ligase 1; minus strand). Cytogenetic location: Xp11.22.
Variant type: single nucleotide variant.
Coding change: c.4394T>G on transcript NM_031407.7 (MANE Select); coding-DNA position 4394, T replaced by G.
Protein change: p.Ile1465Ser; replaces isoleucine 1465 with serine.
Molecular consequence: missense variant.
Genome position (GRCh38, 1-based): chrX:53,589,614, A>C on the plus strand (T>G on the coding strand, the complement: HUWE1 is on the minus strand). VCF-style: chrX-53589614-A-C. GRCh37 (hg19) VCF-style: chrX-53616574-A-C.
Other names: short protein forms I1465S.
Identifiers: ClinVar variation 1740252 (VCV001740252.2), dbSNP rs781965774, ClinGen allele CA10422415.

ClinVar aggregate classification (germline): Uncertain significance (1 of 4 stars; one submission).

Conditions:
Inborn genetic diseases. Identifiers: MedGen C0950123, MeSH D030342.

Allele frequency attached by ClinVar (database versions not stated): gnomAD exomes below 0.00001; ExAC 0.00001.
gnomAD v4.1: 3 of 1,210,774 alleles (0.00025%); highest among the groups gnomAD compares: Middle Eastern, 0.023%; no homozygotes.

Submission:

Ambry Genetics
Classification: Uncertain significance for Inborn genetic diseases. Last evaluated: 2015-07-11. Review status: criteria provided, single submitter. Criteria: Ambry Variant Classification Scheme 2023. Collection method: clinical testing. Allele origin: germline.
Comment: The p.I1465S variant (also known as c.4394T>G), located in coding exon 33 of the HUWE1 gene, results from a T to G substitution at nucleotide position 4394. The isoleucine at codon 1465 is replaced by serine, an amino acid with dissimilar properties. This variant was not reported in population based cohorts in the following databases: Database of Single Nucleotide Polymorphisms (dbSNP), NHLBI Exome Sequencing Project (ESP), and 1000 Genomes Project. In the ESP, this variant was not observed in 6503 samples with coverage at this position. This amino acid position is conserved through reptiles. In addition, the in silico prediction for this alteration is inconclusive. Since supporting evidence is limited at this time, the clinical significance of this variant remains unclear.